The following is an entry in ClinVar:

NM_000551.4(VHL):c.221T>A (p.Val74Asp)

Gene: VHL (von Hippel-Lindau tumor suppressor; plus strand). Cytogenetic location: 3p25.3.
Variant type: single nucleotide variant.
Coding change: c.221T>A on transcript NM_000551.4 (MANE Select); coding-DNA position 221, T replaced by A.
Protein change: p.Val74Asp; replaces valine 74 with aspartic acid.
Molecular consequence: missense variant.
Genome position (GRCh38, 1-based): chr3:10,142,068, T>A. VCF-style: chr3-10142068-T-A. GRCh37 (hg19) VCF-style: chr3-10183752-T-A.
Other names: c.221T>A, p.Val74Asp (NM_001354723.2, NM_198156.3); short protein forms V74D.
Identifiers: ClinVar variation 625223 (VCV000625223.7), dbSNP rs5030803, ClinGen allele CA351749169.

ClinVar aggregate classification (germline): Conflicting classifications of pathogenicity. Review status: criteria provided, conflicting classifications (1 of 4 stars). 2 submissions from 2 submitters: Likely pathogenic (1); Uncertain significance (1). Last evaluated 2025-10-15.

Conditions:
Von Hippel-Lindau syndrome (VHLS). Also called: von Hippel–Lindau syndrome; Von Hippel-Lindau; VHL syndrome. Identifiers: Orphanet 892, MedGen C0019562, MONDO:0008667, OMIM 193300. Disease mechanism: loss of function.
Chuvash polycythemia. Also called: POLYCYTHEMIA, VHL-DEPENDENT. Identifiers: Orphanet 238557, MedGen C1837915, MONDO:0009892, OMIM 263400.

Submissions (2):

Labcorp Genetics (formerly Invitae), Labcorp
Classification: Likely pathogenic for Von Hippel-Lindau syndrome; Chuvash polycythemia. Last evaluated: 2025-10-15. Review status: criteria provided, single submitter. Criteria: Invitae Variant Classification Sherloc (09022015). Collection method: clinical testing. Allele origin: germline.
Comment: This sequence change replaces valine, which is neutral and non-polar, with aspartic acid, which is acidic and polar, at codon 74 of the VHL protein (p.Val74Asp). This variant is not present in population databases (gnomAD no frequency). This missense change has been observed in individual(s) with clinical features of von Hippel-Lindau syndrome (internal data). ClinVar contains an entry for this variant (Variation ID: 625223). Invitae Evidence Modeling of protein sequence and biophysical properties (such as structural, functional, and spatial information, amino acid conservation, physicochemical variation, residue mobility, and thermodynamic stability) indicates that this missense variant is expected to disrupt VHL protein function with a positive predictive value of 95%. Experimental studies have shown that this missense change affects VHL function (PMID: 21715564). In summary, the currently available evidence indicates that the variant is pathogenic, but additional data are needed to prove that conclusively. Therefore, this variant has been classified as Likely Pathogenic.

Genomic Diagnostic Laboratory, Division of Genomic Diagnostics, Children's Hospital of Philadelphia
Classification: Uncertain significance for von Hippel-Lindau syndrome. Last evaluated: 2018-08-01. Review status: criteria provided, single submitter. Criteria: DGD Variant Analysis Guidelines. Collection method: clinical testing. Allele origin: germline. Observed: 1 variant allele.

Literature cited by the submitters: PubMed 21715564 (cited by Labcorp Genetics (formerly Invitae), Labcorp).